The following is an entry in ClinVar:

ClinVar aggregate classification (germline): Uncertain significance (1 of 4 stars; one submission).

Conditions:
Duchenne muscular dystrophy (DMD). Also called: Duchenne Muscular Dystrophy (DMD); MUSCULAR DYSTROPHY, PSEUDOHYPERTROPHIC PROGRESSIVE, DUCHENNE TYPE. Identifiers: Orphanet 98896, MedGen C0013264, MONDO:0010679, OMIM 310200.

Submission:

Labcorp Genetics (formerly Invitae), Labcorp
Classification: Uncertain significance for Duchenne muscular dystrophy. Last evaluated: 2023-11-18. Review status: criteria provided, single submitter. Criteria: Invitae Variant Classification Sherloc (09022015). Collection method: clinical testing. Allele origin: germline.
Comment: This variant, c.4235_4237dup, results in the insertion of 1 amino acid(s) of the DMD protein (p.Lys1412dup), but otherwise preserves the integrity of the reading frame. This variant is not present in population databases (gnomAD no frequency). This variant has not been reported in the literature in individuals affected with DMD-related conditions. ClinVar contains an entry for this variant (Variation ID: 847712). Experimental studies and prediction algorithms are not available or were not evaluated, and the functional significance of this variant is currently unknown. In summary, the available evidence is currently insufficient to determine the role of this variant in disease. Therefore, it has been classified as a Variant of Uncertain Significance.

NM_004006.3(DMD):c.4235_4237dup (p.Lys1412dup)

Gene: DMD (dystrophin; minus strand). Cytogenetic location: Xp21.1.
Variant type: Duplication.
Coding change: c.4235_4237dup on transcript NM_004006.3 (MANE Select); coding-DNA positions 4235 to 4237, 3 bases duplicated (AAA; older notation c.4235_4237dupAAA).
Protein change: p.Lys1412dup; duplicates lysine 1412.
Molecular consequence: inframe insertion.
Genome position (GRCh38, 1-based): chrX:32,390,178-32,390,180, TTT duplicated on the plus strand (AAA on the coding strand, the reverse complement: DMD is on the minus strand); duplicating any 3 consecutive bases within chrX:32,390,178-32,390,181 gives the same sequence; the c. name uses the placement nearest the transcript's 3' end. VCF-style (leftmost placement, unchanged base first): chrX-32390177-A-ATTT. GRCh37 (hg19) VCF-style: chrX-32408294-A-ATTT.
Other names: c.4211_4213dup, p.Lys1404dup (NM_000109.4); c.4223_4225dup, p.Lys1408dup (NM_004009.3); c.3866_3868dup, p.Lys1289dup (NM_004010.3); c.212_214dup, p.Lys71dup (NM_004011.4); c.203_205dup, p.Lys68dup (NM_004012.4).
Identifiers: ClinVar variation 847712 (VCV000847712.10), dbSNP rs2097991507, ClinGen allele CA916081258.